The following is an entry in ClinVar:

ClinVar aggregate classification (germline): Uncertain significance (1 of 4 stars; one submission).

Submission:

Labcorp Genetics (formerly Invitae), Labcorp
Classification: Uncertain significance. Last evaluated: 2021-08-19. Review status: criteria provided, single submitter. Criteria: Invitae Variant Classification Sherloc (09022015). Collection method: clinical testing. Allele origin: germline.
Comment: This sequence change creates a premature translational stop signal (p.Leu285Glyfs*14) in the LIPG gene. It is expected to result in an absent or disrupted protein product. However, the current clinical and genetic evidence is not sufficient to establish whether loss-of-function variants in LIPG cause disease. In summary, the available evidence is currently insufficient to determine the role of this variant in disease. Therefore, it has been classified as a Variant of Uncertain Significance. This variant has not been reported in the literature in individuals affected with LIPG-related conditions. This variant is not present in population databases (ExAC no frequency).

NM_006033.4(LIPG):c.853_854del (p.Leu285fs)

Gene: LIPG (lipase G, endothelial type; plus strand). Cytogenetic location: 18q21.1.
Variant type: Microsatellite.
Coding change: c.853_854del on transcript NM_006033.4 (MANE Select); coding-DNA positions 853 to 854, 2 bases deleted (CT; older notation c.853_854delCT).
Protein change: p.Leu285fs; shifts the reading frame from leucine 285.
Molecular consequence: frameshift variant.
Genome position (GRCh38, 1-based): chr18:49,581,474-49,581,475, CT deleted; deleting any 2 consecutive bases within chr18:49,581,470-49,581,475 gives the same sequence; the c. name uses the placement nearest the transcript's 3' end. VCF-style (leftmost placement, unchanged base first): chr18-49581469-ACT-A. GRCh37 (hg19) VCF-style: chr18-47107839-ACT-A.
Other names: c.631_632del, p.Leu211fs (NM_001308006.2); short protein forms L285fs, L211fs.
Identifiers: ClinVar variation 1444033 (VCV001444033.6), dbSNP rs1430096155, ClinGen allele CA629925294.